The following is an entry in ClinVar:

ClinVar aggregate classification (germline): Likely pathogenic (1 of 4 stars; one submission).

Submission:

Athena Diagnostics
Classification: Likely pathogenic. Last evaluated: 2019-11-19. Review status: criteria provided, single submitter. Criteria: Athena Diagnostics Criteria. Collection method: clinical testing. Allele origin: unknown.
Comment: This variant has not been reported in large, multi-ethnic general populations.

NM_001184880.2(PCDH19):c.470A>C (p.Asp157Ala)

Gene: PCDH19 (protocadherin 19; minus strand). Cytogenetic location: Xq22.1.
Variant type: single nucleotide variant.
Coding change: c.470A>C on transcript NM_001184880.2 (MANE Select); coding-DNA position 470, A replaced by C.
Protein change: p.Asp157Ala; replaces aspartic acid 157 with alanine.
Molecular consequence: missense variant.
Genome position (GRCh38, 1-based): chrX:100,408,128, T>G on the plus strand (A>C on the coding strand, the complement: PCDH19 is on the minus strand). VCF-style: chrX-100408128-T-G. GRCh37 (hg19) VCF-style: chrX-99663126-T-G.
Other names: c.470A>C, p.Asp157Ala (NM_001105243.2, NM_020766.3); short protein forms D157A.
Identifiers: ClinVar variation 586211 (VCV000586211.2), dbSNP rs1569315869, ClinGen allele CA414009562.